The following is an entry in ClinVar:

ClinVar aggregate classification (germline): Uncertain significance (1 of 4 stars; one submission).

Conditions:
Thrombocytopenia. Identifiers: MedGen C0040034, MeSH D013921, MONDO:0002049, HP:0001873.

Submission:

ISTH-SSC Genomics in Thrombosis and Hemostasis, KU Leuven, Center for Molecular and Vascular Biology
Classification: Uncertain significance for Thrombocytopenia. Review status: criteria provided, single submitter. Criteria: ACMG Guidelines, 2015. Collection method: clinical testing. Allele origin: germline. Affected: yes. Observed: 1 heterozygote.
Comment: Submitted to the GoldVariant database by Kathleen Freson, Center for Molecular and Vascular Biology

NM_001110556.2(FLNA):c.3497C>G (p.Ser1166Ter)

Gene: FLNA (filamin A; minus strand). Cytogenetic location: Xq28.
Variant type: single nucleotide variant.
Coding change: c.3497C>G on transcript NM_001110556.2 (MANE Select); coding-DNA position 3497, C replaced by G.
Protein change: p.Ser1166Ter; replaces serine 1166 with a stop codon.
Molecular consequence: nonsense.
Genome position (GRCh38, 1-based): chrX:154,360,298, G>C on the plus strand (C>G on the coding strand, the complement: FLNA is on the minus strand). VCF-style: chrX-154360298-G-C. GRCh37 (hg19) VCF-style: chrX-153588666-G-C.
Other names: c.3497C>G, p.Ser1166Ter (NM_001456.4); short protein forms S1166*.
Identifiers: ClinVar variation 2572157 (VCV002572157.1), dbSNP rs2148112179, ClinGen allele CA415226904.